The following is an entry in ClinVar:

ClinVar aggregate classification (germline): Likely benign. Review status: criteria provided, single submitter (1 of 4 stars). 2 submissions from 2 submitters: Likely benign (1). 1 of the submissions does not count toward it. Last evaluated 2024-01-02.

Conditions:
PKHD1-related disorder. Also called: PKHD1-related condition.
Autosomal recessive polycystic kidney disease (ARPKD). Also called: AR polycystic kidney disease. Identifiers: Orphanet 731, Orphanet 8378, MedGen C0085548, MeSH D017044, MONDO:0009889.

Submissions (2):

Labcorp Genetics (formerly Invitae), Labcorp
Classification: Likely benign for Autosomal recessive polycystic kidney disease. Last evaluated: 2024-01-02. Review status: criteria provided, single submitter. Criteria: Invitae Variant Classification Sherloc (09022015). Collection method: clinical testing. Allele origin: germline.

PreventionGenetics, part of Exact Sciences
Classification: Likely benign for PKHD1-related condition. Last evaluated: 2022-11-04. Review status: no assertion criteria provided. Collection method: clinical testing. Allele origin: germline. Not counted in ClinVar's aggregate classification.
Comment: This variant is classified as likely benign based on ACMG/AMP sequence variant interpretation guidelines (Richards et al. 2015 PMID: 25741868, with internal and published modifications).

NM_138694.4(PKHD1):c.8174-10del

Gene: PKHD1 (PKHD1 ciliary IPT domain containing fibrocystin/polyductin; minus strand). Cytogenetic location: 6p12.2.
Variant type: Deletion.
Coding change: c.8174-10del on transcript NM_138694.4 (MANE Select); 10 bases into the intron before coding-DNA position 8174, one base deleted (T; older notation c.8174-10delT).
Molecular consequence: intron variant.
Genome position (GRCh38, 1-based): chr6:51,830,999, A deleted on the plus strand (T on the coding strand, the reverse complement: PKHD1 is on the minus strand); the first of 9 consecutive A bases (chr6:51,830,999-51,831,007); deleting any one gives the same sequence. VCF-style (leftmost placement, unchanged base first): chr6-51830998-TA-T. GRCh37 (hg19) VCF-style: chr6-51695796-TA-T.
Other names: c.8174-10del (NM_170724.3).
Identifiers: ClinVar variation 706495 (VCV000706495.10), dbSNP rs566540835, ClinGen allele CA3851704.